The following is an entry in ClinVar:

NM_002292.4(LAMB2):c.249+1G>A

Gene: LAMB2 (laminin subunit beta 2; minus strand). Cytogenetic location: 3p21.31.
Variant type: single nucleotide variant.
Coding change: c.249+1G>A on transcript NM_002292.4 (MANE Select); the canonical splice donor site of the intron after coding-DNA position 249, G replaced by A.
Molecular consequence: splice donor variant.
Genome position (GRCh38, 1-based): chr3:49,132,490, C>T on the plus strand (G>A on the coding strand, the complement: LAMB2 is on the minus strand). VCF-style: chr3-49132490-C-T. GRCh37 (hg19) VCF-style: chr3-49169923-C-T.
Identifiers: ClinVar variation 623146 (VCV000623146.6), dbSNP rs779317615, ClinGen allele CA2395007.

ClinVar aggregate classification (germline): Conflicting classifications of pathogenicity. Review status: criteria provided, conflicting classifications (1 of 4 stars). 3 submissions from 3 submitters: Likely pathogenic (2); Uncertain significance (1). Last evaluated 2024-01-04.

Conditions:
Pierson syndrome. Also called: MICROCORIA-CONGENITAL NEPHROTIC SYNDROME. Identifiers: Orphanet 2670, MedGen C1836876, MONDO:0012184, OMIM 609049.
LAMB2-related infantile-onset nephrotic syndrome. Also called: NEPHROTIC SYNDROME, TYPE 5, WITHOUT OCULAR ABNORMALITIES; NEPHROTIC SYNDROME, TYPE 5, WITH OCULAR ABNORMALITIES; Nephrotic Syndrome, type 5. Identifiers: Orphanet 306507, MedGen C3280113, MONDO:0013621, OMIM 614199.

Allele frequency attached by ClinVar (database versions not stated): gnomAD exomes 0.00003; ExAC 0.00007.
gnomAD v4.1: 17 of 1,614,062 alleles (0.0011%); highest among the groups gnomAD compares: East Asian, 0.0022%; no homozygotes.

Submissions (3):

Labcorp Genetics (formerly Invitae), Labcorp
Classification: Likely pathogenic for LAMB2-related infantile-onset nephrotic syndrome; Pierson syndrome. Last evaluated: 2024-01-04. Review status: criteria provided, single submitter. Criteria: Invitae Variant Classification Sherloc (09022015). Collection method: clinical testing. Allele origin: germline.
Comment: This sequence change affects a donor splice site in intron 2 of the LAMB2 gene. It is expected to disrupt RNA splicing. Variants that disrupt the donor or acceptor splice site typically lead to a loss of protein function (PMID: 16199547), and loss-of-function variants in LAMB2 are known to be pathogenic (PMID: 15367484). This variant is present in population databases (rs779317615, gnomAD 0.007%). This variant has not been reported in the literature in individuals affected with LAMB2-related conditions. ClinVar contains an entry for this variant (Variation ID: 623146). Algorithms developed to predict the effect of sequence changes on RNA splicing suggest that this variant may disrupt the consensus splice site. In summary, the currently available evidence indicates that the variant is pathogenic, but additional data are needed to prove that conclusively. Therefore, this variant has been classified as Likely Pathogenic.

GeneDx
Classification: Uncertain significance. Last evaluated: 2021-04-06. Review status: criteria provided, single submitter. Criteria: GeneDx Variant Classification Process June 2021. Collection method: clinical testing. Allele origin: germline. Affected: yes.
Comment: Canonical splice site variant predicted to result in a null allele in a gene for which loss-of-function is a known mechanism of disease; Has not been previously published as pathogenic or benign to our knowledge; This variant is associated with the following publications: (PMID: 20556798)

Molecular Diagnostics Laboratory, M Health Fairview: University of Minnesota
Classification: Likely pathogenic for LAMB2-related infantile-onset nephrotic syndrome. Last evaluated: 2017-10-30. Review status: criteria provided, single submitter. Criteria: ACMG Guidelines, 2015. Collection method: clinical testing. Allele origin: germline. Affected: yes. Observed: 1 variant allele.

Literature cited by the submitters: PubMed 16199547 (cited by Labcorp Genetics (formerly Invitae), Labcorp); PubMed 15367484 (cited by Labcorp Genetics (formerly Invitae), Labcorp); PubMed 20556798 (cited by Molecular Diagnostics Laboratory, M Health Fairview: University of Minnesota).